The following is an entry in ClinVar:

ClinVar aggregate classification (germline): Uncertain significance (1 of 4 stars; one submission).

Submission:

Labcorp Genetics (formerly Invitae), Labcorp
Classification: Uncertain significance. Last evaluated: 2022-03-26. Review status: criteria provided, single submitter. Criteria: Invitae Variant Classification Sherloc (09022015). Collection method: clinical testing. Allele origin: germline.
Comment: In summary, the available evidence is currently insufficient to determine the role of this variant in disease. Therefore, it has been classified as a Variant of Uncertain Significance. Algorithms developed to predict the effect of missense changes on protein structure and function are either unavailable or do not agree on the potential impact of this missense change (SIFT: "Deleterious"; PolyPhen-2: "Not Available"; Align-GVGD: "Class C0"). This variant has not been reported in the literature in individuals affected with PCLO-related conditions. This variant is not present in population databases (gnomAD no frequency). This sequence change replaces glycine, which is neutral and non-polar, with alanine, which is neutral and non-polar, at codon 367 of the PCLO protein (p.Gly367Ala).

NM_033026.6(PCLO):c.1100G>C (p.Gly367Ala)

Gene: PCLO (piccolo presynaptic cytomatrix protein; minus strand). Cytogenetic location: 7q21.11.
Variant type: single nucleotide variant.
Coding change: c.1100G>C on transcript NM_033026.6 (MANE Select); coding-DNA position 1100, G replaced by C.
Protein change: p.Gly367Ala; replaces glycine 367 with alanine.
Molecular consequence: missense variant.
Genome position (GRCh38, 1-based): chr7:83,155,541, C>G on the plus strand (G>C on the coding strand, the complement: PCLO is on the minus strand). VCF-style: chr7-83155541-C-G. GRCh37 (hg19) VCF-style: chr7-82784857-C-G.
Other names: c.1100G>C, p.Gly367Ala (NM_014510.3); short protein forms G367A.
Identifiers: ClinVar variation 2117424 (VCV002117424.4), dbSNP rs2484902547, ClinGen allele CA367915818.